The following is an entry in ClinVar:

NM_005159.5(ACTC1):c.962C>T (p.Ala321Val)

Genes: GJD2-DT (GJD2 divergent transcript; plus strand), ACTC1 (actin alpha cardiac muscle 1; minus strand). Cytogenetic location: 15q14.
Variant type: single nucleotide variant.
Coding change: c.962C>T on transcript NM_005159.5 (MANE Select); coding-DNA position 962, C replaced by T.
Protein change: p.Ala321Val; replaces alanine 321 with valine.
Molecular consequence: missense variant.
Genome position (GRCh38, 1-based): chr15:34,791,142, G>A on the plus strand (C>T on the coding strand, the complement: ACTC1 is on the minus strand). VCF-style: chr15-34791142-G-A. GRCh37 (hg19) VCF-style: chr15-35083343-G-A.
Other names: c.962C>T, p.Ala321Val (NM_001406482.1, NM_001406483.1); c.827C>T, p.Ala276Val (NM_001406484.1); c.521C>T, p.Ala174Val (NM_001406485.1); short protein forms A174V, A276V, A321V.
Identifiers: ClinVar variation 2934988 (VCV002934988.5), dbSNP rs2504177310, ClinGen allele CA391629328.

ClinVar aggregate classification (germline): Uncertain significance. Review status: criteria provided, multiple submitters, no conflicts (2 of 4 stars). 3 submissions from 3 submitters: Uncertain significance (3). Last evaluated 2024-09-10.

Conditions:
Cardiovascular phenotype. Identifiers: MedGen CN230736.
Hypertrophic cardiomyopathy 11. Also called: ACTC1-Related Familial Hypertrophic Cardiomyopathy. Identifiers: MedGen C2677506, MONDO:0012799, OMIM 612098.
Dilated cardiomyopathy 1R (CMD1R). Identifiers: Orphanet 154, Orphanet 54260, MedGen C3150681, MONDO:0013261, OMIM 613424.
Atrial septal defect 5 (ASD5). Identifiers: Orphanet 1478, MedGen C2748552, MONDO:0013011, OMIM 612794.

Submissions (3):

Ambry Genetics
Classification: Uncertain significance for Cardiovascular phenotype. Last evaluated: 2024-09-10. Review status: criteria provided, single submitter. Criteria: Ambry Variant Classification Scheme 2023. Collection method: clinical testing. Allele origin: germline.

GeneDx
Classification: Uncertain significance. Last evaluated: 2024-01-08. Review status: criteria provided, single submitter. Criteria: GeneDx Variant Classification Process June 2021. Collection method: clinical testing. Allele origin: germline. Affected: yes.
Comment: Not observed at significant frequency in large population cohorts (gnomAD); In silico analysis supports that this missense variant does not alter protein structure/function; Has not been previously published as pathogenic or benign to our knowledge

Labcorp Genetics (formerly Invitae), Labcorp
Classification: Uncertain significance for Dilated cardiomyopathy 1R; Hypertrophic cardiomyopathy 11; Atrial septal defect 5. Last evaluated: 2023-12-28. Review status: criteria provided, single submitter. Criteria: Invitae Variant Classification Sherloc (09022015). Collection method: clinical testing. Allele origin: germline.
Comment: This sequence change replaces alanine, which is neutral and non-polar, with valine, which is neutral and non-polar, at codon 321 of the ACTC1 protein (p.Ala321Val). This variant is not present in population databases (gnomAD no frequency). This variant has not been reported in the literature in individuals affected with ACTC1-related conditions. Advanced modeling of protein sequence and biophysical properties (such as structural, functional, and spatial information, amino acid conservation, physicochemical variation, residue mobility, and thermodynamic stability) performed at Invitae indicates that this missense variant is not expected to disrupt ACTC1 protein function with a negative predictive value of 80%. In summary, the available evidence is currently insufficient to determine the role of this variant in disease. Therefore, it has been classified as a Variant of Uncertain Significance.